The following is an entry in ClinVar:

NM_001384732.1(CPLANE1):c.8400C>A (p.Phe2800Leu)

Gene: CPLANE1 (ciliogenesis and planar polarity effector complex subunit 1; minus strand). Cytogenetic location: 5p13.2.
Variant type: single nucleotide variant.
Coding change: c.8400C>A on transcript NM_001384732.1 (MANE Select); coding-DNA position 8400, C replaced by A.
Protein change: p.Phe2800Leu; replaces phenylalanine 2800 with leucine.
Molecular consequence: missense variant.
Genome position (GRCh38, 1-based): chr5:37,148,242, G>T on the plus strand (C>A on the coding strand, the complement: CPLANE1 is on the minus strand). VCF-style: chr5-37148242-G-T. GRCh37 (hg19) VCF-style: chr5-37148344-G-T.
Other names: c.8238C>A, p.Phe2746Leu (NM_023073.4); short protein forms F2800L, F2746L.
Identifiers: ClinVar variation 2165002 (VCV002165002.4), dbSNP rs1455795556, ClinGen allele CA359473367.
Genomic context (GRCh38, chr5:37,148,242, plus strand): 5'-TTCTTCAGAAATGCTAATGGTTTTTGAAGCTAATGTTTTTTTGAATTCAGGGCCAGAAGA[G>T]AATTCAATGTGATCCACTGGTCCAATCTGTAGAAAAAACACACACAACAAAACAACAGTA-3'
Protein context (NP_001371661.1, residues 2790-2810): DKIGPVDHIE[Phe2800Leu]SSGPEFKKTL

ClinVar aggregate classification (germline): Uncertain significance (1 of 4 stars; one submission).

gnomAD v4.1: 2 of 1,611,642 alleles (0.00012%); highest among the groups gnomAD compares: South Asian, 0.0011%; no homozygotes.

Submission:

Labcorp Genetics (formerly Invitae), Labcorp
Classification: Uncertain significance. Last evaluated: 2024-11-04. Review status: criteria provided, single submitter. Criteria: Invitae Variant Classification Sherloc (09022015). Collection method: clinical testing. Allele origin: germline.
Comment: This sequence change replaces phenylalanine, which is neutral and non-polar, with leucine, which is neutral and non-polar, at codon 2746 of the CPLANE1 protein (p.Phe2746Leu). The frequency data for this variant in the population databases is considered unreliable, as metrics indicate poor data quality at this position in the gnomAD database. This variant has not been reported in the literature in individuals affected with CPLANE1-related conditions. ClinVar contains an entry for this variant (Variation ID: 2165002). Invitae Evidence Modeling of protein sequence and biophysical properties (such as structural, functional, and spatial information, amino acid conservation, physicochemical variation, residue mobility, and thermodynamic stability) indicates that this missense variant is not expected to disrupt CPLANE1 protein function with a negative predictive value of 95%. In summary, the available evidence is currently insufficient to determine the role of this variant in disease. Therefore, it has been classified as a Variant of Uncertain Significance.